The following is an entry in ClinVar:

ClinVar aggregate classification (germline): Uncertain significance (1 of 4 stars; one submission).

Conditions:
Hereditary cancer-predisposing syndrome. Also called: Neoplastic Syndromes, Hereditary; Tumor predisposition; Hereditary Cancer Syndrome; Hereditary neoplastic syndrome. Identifiers: Orphanet 140162, MedGen C0027672, MeSH D009386, MONDO:0015356.

Submission:

Ambry Genetics
Classification: Uncertain significance for Hereditary cancer-predisposing syndrome. Last evaluated: 2026-05-05. Review status: criteria provided, single submitter. Criteria: Ambry Variant Classification Scheme 2023. Collection method: clinical testing. Allele origin: germline.
Comment: The p.P87R variant (also known as c.260C>G), located in coding exon 3 of the SDHD gene, results from a C to G substitution at nucleotide position 260. The proline at codon 87 is replaced by arginine, an amino acid with dissimilar properties. This amino acid position is highly conserved in available vertebrate species. In addition, this alteration is predicted to be deleterious by in silico analysis. Based on the available evidence, the clinical significance of this variant remains unclear.

NM_003002.4(SDHD):c.260C>G (p.Pro87Arg)

Gene: SDHD (succinate dehydrogenase complex subunit D; plus strand). Cytogenetic location: 11q23.1.
Variant type: single nucleotide variant.
Coding change: c.260C>G on transcript NM_003002.4 (MANE Select); coding-DNA position 260, C replaced by G.
Protein change: p.Pro87Arg; replaces proline 87 with arginine.
Molecular consequence: missense variant. On other transcripts: non-coding transcript variant (1), intron variant (1).
Genome position (GRCh38, 1-based): chr11:112,088,957, C>G. VCF-style: chr11-112088957-C-G. GRCh37 (hg19) VCF-style: chr11-111959681-C-G.
Other names: c.143C>G, p.Pro48Arg (NM_001276504.2); c.260C>G, p.Pro87Arg (NM_001276506.2); c.169+984C>G (NM_001276503.2); short protein forms P48R, P87R.
Identifiers: ClinVar variation 2561209 (VCV002561209.3), dbSNP rs2135269548, ClinGen allele CA382617331.